The following is an entry in ClinVar:

NM_001042492.3(NF1):c.2128T>G (p.Phe710Val)

Gene: NF1 (neurofibromin 1; plus strand). Cytogenetic location: 17q11.2.
Variant type: single nucleotide variant.
Coding change: c.2128T>G on transcript NM_001042492.3 (MANE Select); coding-DNA position 2128, T replaced by G.
Protein change: p.Phe710Val; replaces phenylalanine 710 with valine.
Molecular consequence: missense variant.
Genome position (GRCh38, 1-based): chr17:31,226,561, T>G. VCF-style: chr17-31226561-T-G. GRCh37 (hg19) VCF-style: chr17-29553579-T-G.
Other names: c.2128T>G, p.Phe710Val (NM_000267.4); short protein forms F710V.
Identifiers: ClinVar variation 1786352 (VCV001786352.2), dbSNP rs2151425857, ClinGen allele CA398982317.

ClinVar aggregate classification (germline): Uncertain significance (1 of 4 stars; one submission).

Conditions:
Hereditary cancer-predisposing syndrome. Also called: Neoplastic Syndromes, Hereditary; Tumor predisposition; Hereditary Cancer Syndrome; Hereditary neoplastic syndrome. Identifiers: Orphanet 140162, MedGen C0027672, MeSH D009386, MONDO:0015356.
Cardiovascular phenotype. Identifiers: MedGen CN230736.

Submission:

Ambry Genetics
Classification: Uncertain significance for Cardiovascular phenotype; Hereditary cancer-predisposing syndrome. Last evaluated: 2020-03-20. Review status: criteria provided, single submitter. Criteria: Ambry Variant Classification Scheme 2023. Collection method: clinical testing. Allele origin: germline.
Comment: The p.F710V variant (also known as c.2128T>G), located in coding exon 18 of the NF1 gene, results from a T to G substitution at nucleotide position 2128. The phenylalanine at codon 710 is replaced by valine, an amino acid with highly similar properties. This amino acid position is highly conserved in available vertebrate species. In addition, this alteration is predicted to be deleterious by in silico analysis. Since supporting evidence is limited at this time, the clinical significance of this alteration remains unclear.